The following is an entry in ClinVar:

ClinVar aggregate classification (germline): Likely pathogenic (1 of 4 stars; one submission).

Conditions:
Microcephaly, normal intelligence and immunodeficiency (NBS). Also called: Ataxia telangiectasia variant V1; IMMUNODEFICIENCY, MICROCEPHALY, AND CHROMOSOMAL INSTABILITY; SEEMANOVA SYNDROME II; Immunodeficiency, microcephaly with normal intelligence; Nijmegen breakage syndrome; Microcephaly with normal intelligence immunodeficiency and lymphoreticular malignancies. Identifiers: Orphanet 647, MedGen C0398791, MONDO:0009623, OMIM 251260.

Submission:

Myriad Genetics, Inc.
Classification: Likely pathogenic for Microcephaly, normal intelligence and immunodeficiency. Last evaluated: 2022-02-19. Review status: criteria provided, single submitter. Criteria: Myriad Women's Health Autosomal Recessive and X-Linked Classification Criteria (2021). Collection method: clinical testing. Allele origin: unknown.
Comment: NM_002485.4(NBN):c.2047A>T(K683*) is expected to be pathogenic in the context of Nijmegen breakage syndrome. This variant is predicted to lead to an abnormal or absent protein product due to the creation of a premature termination codon in NBN, a gene where loss-of-function variants are known to be pathogenic. Please note: this variant was assessed in the context of healthy population screening.

NM_002485.5(NBN):c.2047A>T (p.Lys683Ter)

Gene: NBN (nibrin; minus strand). Cytogenetic location: 8q21.3.
Variant type: single nucleotide variant.
Coding change: c.2047A>T on transcript NM_002485.5 (MANE Select); coding-DNA position 2047, A replaced by T.
Protein change: p.Lys683Ter; replaces lysine 683 with a stop codon.
Molecular consequence: nonsense.
Genome position (GRCh38, 1-based): chr8:89,946,163, T>A on the plus strand (A>T on the coding strand, the complement: NBN is on the minus strand). VCF-style: chr8-89946163-T-A. GRCh37 (hg19) VCF-style: chr8-90958391-T-A.
Other names: c.1801A>T, p.Lys601Ter (NM_001024688.3); short protein forms K601*, K683*.
Identifiers: ClinVar variation 1724553 (VCV001724553.2), dbSNP rs2488201562, ClinGen allele CA371676367.